The following is an entry in ClinVar:

NM_004415.4(DSP):c.5233_5243delinsGACAGGGTTAACCCTAA (p.Lys1745_Thr1748delinsAspArgValAsnProAsn)

Gene: DSP (desmoplakin; plus strand). Cytogenetic location: 6p24.3.
Variant type: Indel.
Coding change: c.5233_5243delinsGACAGGGTTAACCCTAA on transcript NM_004415.4 (MANE Select); coding-DNA positions 5233 to 5243, AAAAATGCAAC replaced by GACAGGGTTAACCCTAA.
Protein change: p.Lys1745_Thr1748delinsAspArgValAsnProAsn.
Molecular consequence: inframe indel. On other transcripts: intron variant (2).
Genome position (GRCh38, 1-based): chr6:7,581,423-7,581,433, AAAAATGCAAC replaced by GACAGGGTTAACCCTAA. VCF-style: chr6-7581423-AAAAATGCAAC-GACAGGGTTAACCCTAA. GRCh37 (hg19) VCF-style: chr6-7581656-AAAAATGCAAC-GACAGGGTTAACCCTAA.
Other names: c.5233_5243delAAAAATGCAACinsGACAGGGTTAACCCTAA, p.Lys1745_Thr1748delinsAspArgValAsnProAsn (NM_004415.2); c.4050+1183_4050+1193delinsGACAGGGTTAACCCTAA (NM_001319034.2); c.3583-1219_3583-1209delinsGACAGGGTTAACCCTAA (NM_001008844.3).
Identifiers: ClinVar variation 3375983 (VCV003375983.1).

ClinVar aggregate classification (germline): Uncertain significance (1 of 4 stars; one submission).

Submission:

GeneDx
Classification: Uncertain significance. Last evaluated: 2024-05-07. Review status: criteria provided, single submitter. Criteria: GeneDx Variant Classification Process June 2021. Collection method: clinical testing. Allele origin: germline. Affected: yes.
Comment: Not observed at significant frequency in large population cohorts (gnomAD); In-frame deletion of 4 amino acids and insertion of 6 amino acids in a non-repeat region; In silico analysis supports a deleterious effect on protein structure/function; Has not been previously published as pathogenic or benign to our knowledge